The following is an entry in ClinVar:

ClinVar aggregate classification (germline): Likely benign. Review status: criteria provided, multiple submitters, no conflicts (2 of 4 stars). 4 submissions from 4 submitters: Likely benign (4). Last evaluated 2026-03-01.

Conditions:
Cardiovascular phenotype. Identifiers: MedGen CN230736.

Allele frequency attached by ClinVar (database versions not stated): gnomAD exomes 0.00001 and 0.00004; ExAC 0.00002; gnomAD 0.00002 and 0.00003; TOPMed 0.00002.
gnomAD v4.1: 23 of 1,609,616 alleles (0.0014%); highest among the groups gnomAD compares: East Asian, 0.038%; 1 homozygote.

Submissions (4):

CeGaT Center for Human Genetics Tuebingen
Classification: Likely benign. Last evaluated: 2026-03-01. Review status: criteria provided, single submitter. Criteria: CeGaT Center For Human Genetics Tuebingen Variant Classification Criteria Version 2. Collection method: clinical testing. Allele origin: germline. Affected: yes. Observed: 1 variant allele.
Comment: PPP1CB: BP4, BP7

Women's Health and Genetics/Laboratory Corporation of America, LabCorp
Classification: Likely benign. Last evaluated: 2025-03-22. Review status: criteria provided, single submitter. Criteria: LabCorp Variant Classification Summary - May 2015. Collection method: clinical testing. Allele origin: germline.

Labcorp Genetics (formerly Invitae), Labcorp
Classification: Likely benign. Last evaluated: 2025-01-28. Review status: criteria provided, single submitter. Criteria: Invitae Variant Classification Sherloc (09022015). Collection method: clinical testing. Allele origin: germline.

Ambry Genetics
Classification: Likely benign for Cardiovascular phenotype. Last evaluated: 2022-11-04. Review status: criteria provided, single submitter. Criteria: Ambry Variant Classification Scheme 2023. Collection method: clinical testing. Allele origin: germline.

NM_002709.3(PPP1CB):c.951A>G (p.Pro317=)

Gene: PPP1CB (protein phosphatase 1 catalytic subunit beta; plus strand). Cytogenetic location: 2p23.2.
Variant type: single nucleotide variant.
Coding change: c.951A>G on transcript NM_002709.3 (MANE Select); coding-DNA position 951, A replaced by G.
Protein change: p.Pro317=; no amino-acid change (proline 317 retained).
Molecular consequence: synonymous variant.
Genome position (GRCh38, 1-based): chr2:28,799,270, A>G. VCF-style: chr2-28799270-A-G. GRCh37 (hg19) VCF-style: chr2-29022136-A-G.
Other names: c.951A>G, p.Pro317= (NM_206876.2); c.951A>G (NM_206876.1).
Identifiers: ClinVar variation 1640825 (VCV001640825.15), dbSNP rs769853936, ClinGen allele CA1589348.